The following is an entry in ClinVar:

NM_000214.3(JAG1):c.2328dup (p.Pro777fs)

Gene: JAG1 (jagged canonical Notch ligand 1; minus strand). Cytogenetic location: 20p12.2.
Variant type: Duplication.
Coding change: c.2328dup on transcript NM_000214.3 (MANE Select); coding-DNA position 2328, one base duplicated (G; older notation c.2328dupG).
Protein change: p.Pro777fs; shifts the reading frame from proline 777.
Molecular consequence: frameshift variant.
Genome position (GRCh38, 1-based): chr20:10,644,879, C duplicated on the plus strand (G on the coding strand, the reverse complement: JAG1 is on the minus strand); the first of 4 consecutive C bases (chr20:10,644,879-10,644,882); duplicating any one gives the same sequence. VCF-style (leftmost placement, unchanged base first): chr20-10644878-G-GC. GRCh37 (hg19) VCF-style: chr20-10625526-G-GC.
Other names: c.2328dupG (NM_000214.3); short protein forms P777fs.
Identifiers: ClinVar variation 3254793 (VCV003254793.1), dbSNP rs2514512861.

ClinVar aggregate classification (germline): Pathogenic (1 of 4 stars; one submission).

Conditions:
Alagille syndrome due to a JAG1 point mutation. Also called: HEPATIC DUCTULAR HYPOPLASIA, SYNDROMATIC; JAG1-Related Alagille Syndrome; Alagille Syndrome 1. Identifiers: Orphanet 261619, Orphanet 52, MedGen C1956125, MONDO:0016862, OMIM 118450.

Submission:

Victorian Clinical Genetics Services, Murdoch Childrens Research Institute
Classification: Pathogenic for Alagille syndrome due to a JAG1 point mutation. Last evaluated: 2023-07-16. Review status: criteria provided, single submitter. Criteria: ACMG Guidelines, 2015. Collection method: clinical testing. Allele origin: germline. Inheritance: Autosomal dominant inheritance. Affected: yes.
Comment: Based on the classification scheme VCGS_Germline_v1.3.4, this variant is classified as Pathogenic. Following criteria are met: 0102 - Loss of function is a known mechanism of disease in this gene and is associated with Alagille syndrome 1 (MIM#118450) and tetralogy of Fallot (MIM#187500). The mechanism for Charcot-Marie-Tooth disease, axonal, type 2HH (MIM#619574) is not clearly established, but loss of function is suggested (PMID: 32065591). (I) 0107 - This gene is associated with autosomal dominant disease. (I) 0201 - Variant is predicted to cause nonsense-mediated decay (NMD) and loss of protein (premature termination codon is located at least 54 nucleotides upstream of the final exon-exon junction). (SP) 0251 - This variant is heterozygous. (I) 0301 - Variant is absent from gnomAD (both v2 and v3). (SP) 0701 - Other NMD-predicted variants comparable to the one identified in this case have very strong previous evidence for pathogenicity. These variants have been reported many times as pathogenic, and observed in individuals with Alagille syndrome (OMIM, DECIPHER). (SP) 0807 - This variant has no previous evidence of pathogenicity. (I) 0905 - No published segregation evidence has been identified for this variant. (I) 1007 - No published functional evidence has been identified for this variant. (SP) Legend: (SP) - Supporting pathogenic, (I) - Information, (SB) - Supporting benign

Literature cited by the submitters: PubMed 32065591.